The following is an entry in ClinVar:

ClinVar aggregate classification (germline): Uncertain significance (1 of 4 stars; one submission).

Conditions:
X-linked ichthyosis with steryl-sulfatase deficiency (XLI). Also called: PLACENTAL STEROID SULFATASE DEFICIENCY; STEROID SULFATASE DEFICIENCY; STEROID SULFATASE DEFICIENCY DISEASE; STS DEFICIENCY; Ichthyosis, X-Linked; Recessive X-linked ichthyosis. Identifiers: Orphanet 461, MedGen C0079588, MONDO:0010622, OMIM 308100.

gnomAD v4.1: 2 of 1,211,820 alleles (0.00017%); highest among the groups gnomAD compares: Non-Finnish European, 0.00011%; no homozygotes.

Submission:

Laboratorio de Genética, Hospital Universitario Reina Sofía
Classification: Uncertain significance for X-linked ichthyosis with steryl-sulfatase deficiency. Last evaluated: 2024-06-07. Review status: criteria provided, single submitter. Criteria: ACMG Guidelines, 2015. Collection method: clinical testing. Allele origin: unknown. Inheritance: X-linked inheritance. Affected: yes. Observed: 1 variant allele, 1 hemizygote.
Comment: This variant is classified as a Variant of Uncertain Significance (VUS) as NM_001320752.2(STS):c.308C>T currently meets PM2 (Moderate) due to its absence or extremely low frequency in population databases; however, no segregation studies (or other independent evidence such as functional data, multiple unrelated affected individuals, or a well-established pathogenic mechanism for this specific change) are available to support additional ACMG/AMP criteria beyond rarity, and PM2 alone is insufficient to classify the variant as Likely Pathogenic under ACMG/AMP framework.

NM_001320752.2(STS):c.308C>T (p.Ser103Leu)

Gene: STS (steroid sulfatase; plus strand). Cytogenetic location: Xp22.31.
Variant type: single nucleotide variant.
Coding change: c.308C>T on transcript NM_001320752.2 (MANE Select); coding-DNA position 308, C replaced by T.
Protein change: p.Ser103Leu; replaces serine 103 with leucine.
Molecular consequence: missense variant.
Genome position (GRCh38, 1-based): chrX:7,257,514, C>T. VCF-style: chrX-7257514-C-T. GRCh37 (hg19) VCF-style: chrX-7175555-C-T.
Other names: c.308C>T, p.Ser103Leu (NM_000351.7, NM_001320753.2, NM_001320754.2); c.344C>T, p.Ser115Leu (NM_001320750.3, NM_001320751.2); short protein forms S103L, S115L.
Identifiers: ClinVar variation 5016499 (VCV005016499.1).